The following is an entry in ClinVar:

NM_032603.5(LOXL3):c.916C>T (p.Arg306Cys)

Gene: LOXL3 (lysyl oxidase like 3; minus strand). Cytogenetic location: 2p13.1.
Variant type: single nucleotide variant.
Coding change: c.916C>T on transcript NM_032603.5 (MANE Select); coding-DNA position 916, C replaced by T.
Protein change: p.Arg306Cys; replaces arginine 306 with cysteine.
Molecular consequence: missense variant. On other transcripts: 5 prime UTR variant (1).
Genome position (GRCh38, 1-based): chr2:74,536,468, G>A on the plus strand (C>T on the coding strand, the complement: LOXL3 is on the minus strand). VCF-style: chr2-74536468-G-A. GRCh37 (hg19) VCF-style: chr2-74763595-G-A.
Other names: c.481C>T, p.Arg161Cys (NM_001289164.3); c.-168C>T (NM_001289165.2); short protein forms R306C, R161C.
Identifiers: ClinVar variation 1417219 (VCV001417219.3), dbSNP rs753208381, ClinGen allele CA50492431.

ClinVar aggregate classification (germline): Uncertain significance (1 of 4 stars; one submission).

Allele frequency attached by ClinVar (database versions not stated): gnomAD exomes below 0.00001; gnomAD 0.00002.
gnomAD v4.1: 13 of 1,612,166 alleles (0.00081%); highest among the groups gnomAD compares: African/African-American, 0.004%; no homozygotes.

Submission:

Labcorp Genetics (formerly Invitae), Labcorp
Classification: Uncertain significance. Last evaluated: 2022-08-09. Review status: criteria provided, single submitter. Criteria: Invitae Variant Classification Sherloc (09022015). Collection method: clinical testing. Allele origin: germline.
Comment: This sequence change replaces arginine, which is basic and polar, with cysteine, which is neutral and slightly polar, at codon 306 of the LOXL3 protein (p.Arg306Cys). This variant is not present in population databases (gnomAD no frequency). This variant has not been reported in the literature in individuals affected with LOXL3-related conditions. ClinVar contains an entry for this variant (Variation ID: 1417219). Algorithms developed to predict the effect of missense changes on protein structure and function are either unavailable or do not agree on the potential impact of this missense change (SIFT: "Deleterious"; PolyPhen-2: "Benign"; Align-GVGD: "Class C15"). In summary, the available evidence is currently insufficient to determine the role of this variant in disease. Therefore, it has been classified as a Variant of Uncertain Significance.